The following is an entry in ClinVar:

NM_001023570.4(IQCB1):c.340A>C (p.Asn114His)

Gene: IQCB1 (IQ motif containing B1; minus strand). Cytogenetic location: 3q13.33.
Variant type: single nucleotide variant.
Coding change: c.340A>C on transcript NM_001023570.4 (MANE Select); coding-DNA position 340, A replaced by C.
Protein change: p.Asn114His; replaces asparagine 114 with histidine.
Molecular consequence: missense variant. On other transcripts: non-coding transcript variant (1).
Genome position (GRCh38, 1-based): chr3:121,826,104, T>G on the plus strand (A>C on the coding strand, the complement: IQCB1 is on the minus strand). VCF-style: chr3-121826104-T-G. GRCh37 (hg19) VCF-style: chr3-121544951-T-G.
Other names: c.340A>C, p.Asn114His (NM_001023571.4, NM_001319107.2); short protein forms N114H.
Identifiers: ClinVar variation 1524503 (VCV001524503.8), dbSNP rs2108637450, ClinGen allele CA354111672.

ClinVar aggregate classification (germline): Uncertain significance (1 of 4 stars; one submission).

Conditions:
Nephronophthisis. Also called: Juvenile Nephronophthisis. Identifiers: Orphanet 655, MedGen C0687120, MONDO:0019005, HP:0000090.

Submission:

Labcorp Genetics (formerly Invitae), Labcorp
Classification: Uncertain significance for Nephronophthisis. Last evaluated: 2021-02-15. Review status: criteria provided, single submitter. Criteria: Invitae Variant Classification Sherloc (09022015). Collection method: clinical testing. Allele origin: germline.
Comment: In summary, the available evidence is currently insufficient to determine the role of this variant in disease. Therefore, it has been classified as a Variant of Uncertain Significance. Algorithms developed to predict the effect of missense changes on protein structure and function are either unavailable or do not agree on the potential impact of this missense change (SIFT: "Deleterious"; PolyPhen-2: "Possibly Damaging"; Align-GVGD: "Class C15"). This variant has not been reported in the literature in individuals with IQCB1-related conditions. This variant is not present in population databases (ExAC no frequency). This sequence change replaces asparagine with histidine at codon 114 of the IQCB1 protein (p.Asn114His). The asparagine residue is highly conserved and there is a small physicochemical difference between asparagine and histidine.